The following is an entry in ClinVar:

ClinVar aggregate classification (germline): Benign (0 of 4 stars; one submission).

Conditions:
DCHS2-related disorder. Also called: DCHS2-related condition.

Allele frequency attached by ClinVar (database versions not stated): gnomAD exomes 0.00090; ExAC 0.00292; gnomAD 0.00929; ESP Exome Variant Server 0.00953; TOPMed 0.01031; 1000 Genomes Project 0.01058; 1000 Genomes Project 30x 0.01171.
gnomAD v4.1: 2,788 of 1,613,958 alleles (0.17%); highest among the groups gnomAD compares: African/African-American, 3.2%; 45 homozygotes.

Submission:

PreventionGenetics, part of Exact Sciences
Classification: Benign for DCHS2-related condition. Last evaluated: 2019-03-14. Review status: no assertion criteria provided. Collection method: clinical testing. Allele origin: germline.
Comment: This variant is classified as benign based on ACMG/AMP sequence variant interpretation guidelines (Richards et al. 2015 PMID: 25741868, with internal and published modifications).

NM_001358235.2(DCHS2):c.7843G>A (p.Gly2615Ser)

Genes: DCHS2 (dachsous cadherin-related 2; minus strand), DCHS2-AS1 (DCHS2 antisense RNA 1; plus strand). Cytogenetic location: 4q31.3.
Variant type: single nucleotide variant.
Coding change: c.7843G>A on transcript NM_001358235.2 (MANE Select); coding-DNA position 7843, G replaced by A.
Protein change: p.Gly2615Ser; replaces glycine 2615 with serine.
Molecular consequence: missense variant.
Genome position (GRCh38, 1-based): chr4:154,236,809, C>T on the plus strand (G>A on the coding strand, the complement: DCHS2 is on the minus strand). VCF-style: chr4-154236809-C-T. GRCh37 (hg19) VCF-style: chr4-155157961-C-T.
Other names: short protein forms G2615S.
Identifiers: ClinVar variation 3039356 (VCV003039356.2), dbSNP rs61741015, ClinGen allele CA3112029.
Genomic context (GRCh38, chr4:154,236,809, plus strand): 5'-TGACAAGCTCATGGCTAGCACTTGCTTCTCTGTCCAGACTGTGAAGCAACACAAGATAAC[C>T]GACTTGCTTATAAGGATATTCTGAATGAAAGAACTTAGTTTCCACATGAAAATTGTTCTG-3'
Protein context (NP_001345164.1, residues 2605-2625): FHSEYPYKQV[Gly2615Ser]YLVLLHSLDR